The following is an entry in ClinVar:

NM_000088.4(COL1A1):c.2530dup (p.Ala844fs)

Gene: COL1A1 (collagen type I alpha 1 chain; minus strand). Cytogenetic location: 17q21.33.
Variant type: Duplication.
Coding change: c.2530dup on transcript NM_000088.4 (MANE Select); coding-DNA position 2530, one base duplicated (G; older notation c.2530dupG).
Protein change: p.Ala844fs; shifts the reading frame from alanine 844.
Molecular consequence: frameshift variant.
Genome position (GRCh38, 1-based): chr17:50,190,030, C duplicated on the plus strand (G on the coding strand, the reverse complement: COL1A1 is on the minus strand). VCF-style (leftmost placement, unchanged base first): chr17-50190029-G-GC. GRCh37 (hg19) VCF-style: chr17-48267390-G-GC.
Other names: short protein forms A844fs.
Identifiers: ClinVar variation 1424452 (VCV001424452.6), dbSNP rs2144552926, ClinGen allele CA2573154228.

ClinVar aggregate classification (germline): Pathogenic (1 of 4 stars; one submission).

Conditions:
Osteogenesis imperfecta type I (OI1). Also called: Lobstein's Disease; Osteogenesis imperfecta type 1; Lobstein disease; Classic Non-deforming Osteogenesis Imperfecta with Blue Sclerae; OI, TYPE I; OSTEOGENESIS IMPERFECTA TARDA. Identifiers: Orphanet 216796, Orphanet 666, MedGen C0023931, MONDO:0008146, OMIM 166200. Disease mechanism: loss of function.

Submission:

Labcorp Genetics (formerly Invitae), Labcorp
Classification: Pathogenic for Osteogenesis imperfecta type I. Last evaluated: 2021-08-19. Review status: criteria provided, single submitter. Criteria: Invitae Variant Classification Sherloc (09022015). Collection method: clinical testing. Allele origin: germline.
Comment: For these reasons, this variant has been classified as Pathogenic. This variant has not been reported in the literature in individuals affected with COL1A1-related conditions. This variant is not present in population databases (ExAC no frequency). This sequence change creates a premature translational stop signal (p.Ala844Glyfs*12) in the COL1A1 gene. It is expected to result in an absent or disrupted protein product. Loss-of-function variants in COL1A1 are known to be pathogenic (PMID: 7942841, 9295084, 9443882).

Literature cited by the submitters: PubMed 7942841; PubMed 9295084; PubMed 9443882.